The following is an entry in ClinVar:

NM_004370.6(COL12A1):c.185C>G (p.Thr62Arg)

Gene: COL12A1 (collagen type XII alpha 1 chain; minus strand). Cytogenetic location: 6q13.
Variant type: single nucleotide variant.
Coding change: c.185C>G on transcript NM_004370.6 (MANE Select); coding-DNA position 185, C replaced by G.
Protein change: p.Thr62Arg; replaces threonine 62 with arginine.
Molecular consequence: missense variant. On other transcripts: intron variant (1).
Genome position (GRCh38, 1-based): chr6:75,194,836, G>C on the plus strand (C>G on the coding strand, the complement: COL12A1 is on the minus strand). VCF-style: chr6-75194836-G-C. GRCh37 (hg19) VCF-style: chr6-75904552-G-C.
Other names: c.73+7884C>G (NM_080645.3); short protein forms T62R.
Identifiers: ClinVar variation 640641 (VCV000640641.13), dbSNP rs779409298, ClinGen allele CA364731786.

ClinVar aggregate classification (germline): Uncertain significance. Review status: criteria provided, multiple submitters, no conflicts (2 of 4 stars). 2 submissions from 2 submitters: Uncertain significance (2). Last evaluated 2021-06-08.

Conditions:
Ullrich congenital muscular dystrophy 2 (UCMD2). Identifiers: Orphanet 75840, MedGen C4225314, MONDO:0014654, OMIM 616470.
Bethlem myopathy 2 (BTHLM2). Identifiers: Orphanet 536516, Orphanet 610, MedGen C4225313, MONDO:0034022, OMIM 616471.

Submissions (2):

Revvity Omics, Revvity
Classification: Uncertain significance. Last evaluated: 2021-06-08. Review status: criteria provided, single submitter. Criteria: ACMG Guidelines, 2015. Collection method: clinical testing. Allele origin: germline.

Labcorp Genetics (formerly Invitae), Labcorp
Classification: Uncertain significance for Bethlem myopathy 2; Ullrich congenital muscular dystrophy 2. Last evaluated: 2019-01-06. Review status: criteria provided, single submitter. Criteria: Invitae Variant Classification Sherloc (09022015). Collection method: clinical testing. Allele origin: germline.
Comment: In summary, the available evidence is currently insufficient to determine the role of this variant in disease. Therefore, it has been classified as a Variant of Uncertain Significance. Algorithms developed to predict the effect of sequence changes on RNA splicing suggest that this variant may create or strengthen a splice site, but this prediction has not been confirmed by published transcriptional studies. Algorithms developed to predict the effect of missense changes on protein structure and function are either unavailable or do not agree on the potential impact of this missense change (SIFT: "Deleterious"; PolyPhen-2: "Possibly Damaging"; Align-GVGD: "Class C0"). This variant has not been reported in the literature in individuals with COL12A1-related disease. This variant is not present in population databases (ExAC no frequency). This sequence change replaces threonine with arginine at codon 62 of the COL12A1 protein (p.Thr62Arg). The threonine residue is moderately conserved and there is a moderate physicochemical difference between threonine and arginine.